The following is an entry in ClinVar:

NM_005633.4(SOS1):c.1867T>G (p.Phe623Val)

Gene: SOS1 (SOS Ras/Rac guanine nucleotide exchange factor 1; minus strand). Cytogenetic location: 2p22.1.
Variant type: single nucleotide variant.
Coding change: c.1867T>G on transcript NM_005633.4 (MANE Select); coding-DNA position 1867, T replaced by G.
Protein change: p.Phe623Val; replaces phenylalanine 623 with valine.
Molecular consequence: missense variant.
Genome position (GRCh38, 1-based): chr2:39,014,838, A>C on the plus strand (T>G on the coding strand, the complement: SOS1 is on the minus strand). VCF-style: chr2-39014838-A-C. GRCh37 (hg19) VCF-style: chr2-39241979-A-C.
Other names: c.1867T>G, p.Phe623Val (NM_001382395.1); c.1846T>G, p.Phe616Val (NM_001382394.1); short protein forms F623V, F616V.
Identifiers: ClinVar variation 179739 (VCV000179739.17), dbSNP rs727505093, ClinGen allele CA185039.

ClinVar aggregate classification (germline): Conflicting classifications of pathogenicity. Review status: criteria provided, conflicting classifications (1 of 4 stars). 6 submissions from 6 submitters: Pathogenic (2); Likely pathogenic (2); Uncertain significance (2). Last evaluated 2025-11-21.

Conditions:
SOS1-related disorder. Also called: SOS1-related condition.
Noonan syndrome (NS). Also called: Noonan's syndrome. Identifiers: Orphanet 648, MedGen C0028326, MeSH D009634, MONDO:0018997. Disease mechanism: gain of function.
RASopathy. Also called: rasopathies; Noonan spectrum disorder. Identifiers: Orphanet 536391, MedGen C5555857, MONDO:0021060.

Submissions (6):

GeneDx
Classification: Pathogenic. Last evaluated: 2025-11-21. Review status: criteria provided, single submitter. Criteria: GeneDx Variant Classification Process June 2021. Collection method: clinical testing. Allele origin: germline. Affected: yes.
Comment: Observed in a proband with hypertrophic cardiomyopathy in the published literature (PMID: 31368652); Not observed at significant frequency in large population cohorts (gnomAD); In silico analysis supports that this missense variant has a deleterious effect on protein structure/function; Missense variants in this gene are a common cause of disease and they are underrepresented in the general population; This variant is associated with the following publications: (PMID: 22589294, 31368652, 17586837, 20673819, 39484914, 29493581)

Women's Health and Genetics/Laboratory Corporation of America, LabCorp
Classification: Uncertain significance. Last evaluated: 2025-05-05. Review status: criteria provided, single submitter. Criteria: LabCorp Variant Classification Summary - May 2015. Collection method: clinical testing. Allele origin: germline.
Comment: Variant summary: SOS1 c.1867T>G (p.Phe623Val) results in a non-conservative amino acid change located in the Ras-like guanine nucleotide exchange factor, N-terminal domain (IPR000651) of the encoded protein sequence. Algorithms developed to predict the effect of missense changes on protein structure and function all suggest that this variant is likely to be disruptive. The variant was absent in 250216 control chromosomes. The available data on variant occurrences in the general population are insufficient to allow any conclusion about variant significance. To our knowledge, no occurrence of c.1867T>G in individuals affected with Noonan Syndrome and Related Conditions and no experimental evidence demonstrating its impact on protein function have been reported. However, a variant at the same codon (p.Phe623Ile) has been reported in individuals in association with Noonan syndrome, including one de novo occurrence (PMID: 20673819, 17586837), suggesting the location to be important for protein function. Substitution of the Phe623 residue by another amino acid has been hypothesized to cause altered guanine nucleotide exchange activity of SOS1 and perturb the catalytic activity of the CDC25 domain (PMID: 21387466, 17586837). To our knowledge, no experimental evidence demonstrating an impact on protein function has been reported. The following publication has been ascertained in the context of this evaluation (PMID: 31368652). ClinVar contains an entry for this variant (Variation ID: 179739). Based on the evidence outlined above, the variant was classified as uncertain significance.

ARUP Laboratories, Molecular Genetics and Genomics, ARUP Laboratories
Classification: Uncertain significance. Last evaluated: 2025-03-26. Review status: criteria provided, single submitter. Criteria: ARUP Molecular Germline Variant Investigation Process 2024. Collection method: clinical testing. Allele origin: germline.
Comment: The SOS1 c.1867T>G, Phe623Val variant (rs727505093), to our knowledge, is not reported in the medical literature but is reported in ClinVar (Variation ID: 179739). This variant is absent from the Genome Aggregation Database (v2.1.1), indicating it is not a common polymorphism. Another amino acid substitutions at this codon (p.Phe623Ile) has been reported in individuals with Noonan Syndrome and is considered pathogenic (Fabretto 2010, Hall 2001). Computational analyses predict that this variant is deleterious (REVEL: 0.725). Due to limited information, the clinical significance of this variant is uncertain at this time. References: Fabretto A et al. Two cases of Noonan syndrome with severe respiratory and gastroenteral involvement and the SOS1 mutation F623I. Eur J Med Genet. 2010 Sep-Oct;53(5):322-4. Epub 2010 Jul 29. PMID: 20673819. Hall BE et al. Structure-based mutagenesis reveals distinct functions for Ras switch 1 and switch 2 in Sos-catalyzed guanine nucleotide exchange. J Biol Chem. 2001 Jul 20;276(29):27629-37. Epub 2001 May 1. PMID: 11333268.

Labcorp Genetics (formerly Invitae), Labcorp
Classification: Pathogenic for RASopathy. Last evaluated: 2021-08-12. Review status: criteria provided, single submitter. Criteria: Invitae Variant Classification Sherloc (09022015). Collection method: clinical testing. Allele origin: germline.

Blueprint Genetics
Classification: Likely pathogenic for SOS1-related disorders. Last evaluated: 2020-02-10. Review status: criteria provided, single submitter. Criteria: ACMG Guidelines, 2015. Collection method: clinical testing. Allele origin: germline. Affected: yes. Observed: 1 variant allele.

Laboratory for Molecular Medicine, Mass General Brigham Personalized Medicine
Classification: Likely pathogenic for Noonan syndrome. Last evaluated: 2017-04-26. Review status: criteria provided, single submitter. Criteria: LMM Criteria. Collection method: clinical testing. Allele origin: germline. Observed: 1 variant allele.
Comment: This variant was absent from large population studies. An additional a mino acid change at this position (p.Phe623Ile) was identified in two probands w ith clinical features of Noonan syndrome, which occured de novo in 1 of these in dividuals with confirmed paternity (Zenker 2007, Fabretto 2010). Computational p rediction tools and conservation analysis do not provide strong support for or a gainst an impact to the protein. In summary, although additional studies are req uired to fully establish its clinical significance, the p.Phe623Val variant is l ikely pathogenic.

Literature cited by the submitters: PubMed 31368652 (cited by Women's Health and Genetics/Laboratory Corporation of America, LabCorp); PubMed 20673819 (cited by Laboratory for Molecular Medicine, Mass General Brigham Personalized Medicine); PubMed 17586837 (cited by Laboratory for Molecular Medicine, Mass General Brigham Personalized Medicine); PubMed 24803665 (cited by Laboratory for Molecular Medicine, Mass General Brigham Personalized Medicine); PubMed 11333268 (cited by Laboratory for Molecular Medicine, Mass General Brigham Personalized Medicine).